The following is an entry in ClinVar:

NM_000709.4(BCKDHA):c.943C>T (p.Arg315Trp)

Gene: BCKDHA (branched chain keto acid dehydrogenase E1 subunit alpha; plus strand). Cytogenetic location: 19q13.2.
Variant type: single nucleotide variant.
Coding change: c.943C>T on transcript NM_000709.4 (MANE Select); coding-DNA position 943, C replaced by T.
Protein change: p.Arg315Trp; replaces arginine 315 with tryptophan.
Molecular consequence: missense variant.
Genome position (GRCh38, 1-based): chr19:41,422,718, C>T. VCF-style: chr19-41422718-C-T. GRCh37 (hg19) VCF-style: chr19-41928623-C-T.
Other names: c.940C>T, p.Arg314Trp (NM_001164783.2); short protein forms R315W, R314W.
Identifiers: ClinVar variation 522678 (VCV000522678.9), dbSNP rs373336888, ClinGen allele CA9461307.

ClinVar aggregate classification (germline): Conflicting classifications of pathogenicity. Review status: criteria provided, conflicting classifications (1 of 4 stars). 3 submissions from 3 submitters: Likely pathogenic (1); Uncertain significance (2). Last evaluated 2025-10-23.

Conditions:
Maple syrup urine disease (MSUD). Identifiers: Orphanet 511, MedGen C0024776, MeSH D008375, MONDO:0009563. Disease mechanism: loss of function.

Allele frequency attached by ClinVar (database versions not stated): gnomAD exomes 0.00006 and 0.00011; ExAC 0.00007; ESP Exome Variant Server 0.00008; gnomAD 0.00008 and 0.00009; TOPMed 0.00009.
gnomAD v4.1: 178 of 1,613,982 alleles (0.011%); highest among the groups gnomAD compares: Middle Eastern, 0.016%; no homozygotes.

Submissions (3):

Women's Health and Genetics/Laboratory Corporation of America, LabCorp
Classification: Uncertain significance. Last evaluated: 2025-10-23. Review status: criteria provided, single submitter. Criteria: LabCorp Variant Classification Summary - May 2015. Collection method: clinical testing. Allele origin: germline.
Comment: Variant summary: BCKDHA c.943C>T (p.Arg315Trp) results in a non-conservative amino acid change located in the Dehydrogenase, E1 component domain (IPR001017) of the encoded protein sequence. Algorithms developed to predict the effect of missense changes on protein structure and function all suggest that this variant is likely to be disruptive. The variant allele was found at a frequency of 6.4e-05 in 251270 control chromosomes. This frequency is not significantly higher than estimated for disease-causing variants in BCKDHA, allowing no conclusion about variant significance. To our knowledge, no occurrence of c.943C>T in individuals affected with BCKDHA-related conditions and no experimental evidence demonstrating its impact on protein function have been reported. ClinVar contains an entry for this variant (Variation ID: 522678). Based on the evidence outlined above, the variant was classified as uncertain significance.

Labcorp Genetics (formerly Invitae), Labcorp
Classification: Uncertain significance for Maple syrup urine disease. Last evaluated: 2022-07-02. Review status: criteria provided, single submitter. Criteria: Invitae Variant Classification Sherloc (09022015). Collection method: clinical testing. Allele origin: germline.
Comment: This sequence change replaces arginine, which is basic and polar, with tryptophan, which is neutral and slightly polar, at codon 315 of the BCKDHA protein (p.Arg315Trp). This variant is present in population databases (rs373336888, gnomAD 0.01%). This variant has not been reported in the literature in individuals affected with BCKDHA-related conditions. ClinVar contains an entry for this variant (Variation ID: 522678). Advanced modeling of protein sequence and biophysical properties (such as structural, functional, and spatial information, amino acid conservation, physicochemical variation, residue mobility, and thermodynamic stability) performed at Invitae indicates that this missense variant is expected to disrupt BCKDHA protein function. In summary, the available evidence is currently insufficient to determine the role of this variant in disease. Therefore, it has been classified as a Variant of Uncertain Significance.

Genomic Research Center, Shahid Beheshti University of Medical Sciences
Classification: Likely pathogenic for Maple syrup urine disease. Last evaluated: 2017-12-03. Review status: criteria provided, single submitter. Criteria: ACMG Guidelines, 2015. Collection method: clinical testing. Allele origin: inherited. Affected: yes.